The following is an entry in ClinVar:

ClinVar aggregate classification (germline): Uncertain significance (1 of 4 stars; one submission).

Conditions:
Inborn genetic diseases. Identifiers: MedGen C0950123, MeSH D030342.

Submission:

Ambry Genetics
Classification: Uncertain significance for Inborn genetic diseases. Last evaluated: 2025-02-16. Review status: criteria provided, single submitter. Criteria: Ambry Variant Classification Scheme 2023. Collection method: clinical testing. Allele origin: germline.
Comment: The p.Q565P variant (also known as c.1694A>C), located in coding exon 1 of the SAMD9 gene, results from an A to C substitution at nucleotide position 1694. The glutamine at codon 565 is replaced by proline, an amino acid with similar properties. This amino acid position is conserved. In addition, this alteration is predicted to be tolerated by in silico analysis. Based on the available evidence, the clinical significance of this variant remains unclear.

NM_017654.4(SAMD9):c.1694A>C (p.Gln565Pro)

Gene: SAMD9 (sterile alpha motif domain containing 9; minus strand). Cytogenetic location: 7q21.2.
Variant type: single nucleotide variant.
Coding change: c.1694A>C on transcript NM_017654.4 (MANE Select); coding-DNA position 1694, A replaced by C.
Protein change: p.Gln565Pro; replaces glutamine 565 with proline.
Molecular consequence: missense variant.
Genome position (GRCh38, 1-based): chr7:93,104,404, T>G on the plus strand (A>C on the coding strand, the complement: SAMD9 is on the minus strand). VCF-style: chr7-93104404-T-G. GRCh37 (hg19) VCF-style: chr7-92733717-T-G.
Other names: c.1694A>C, p.Gln565Pro (NM_001193307.2); short protein forms Q565P.
Identifiers: ClinVar variation 3792102 (VCV003792102.1).